The following is an entry in ClinVar:

NM_005733.3(KIF20A):c.1136G>A (p.Arg379His)

Gene: KIF20A (kinesin family member 20A; plus strand). Cytogenetic location: 5q31.2.
Variant type: single nucleotide variant.
Coding change: c.1136G>A on transcript NM_005733.3 (MANE Select); coding-DNA position 1136, G replaced by A.
Protein change: p.Arg379His; replaces arginine 379 with histidine.
Molecular consequence: missense variant.
Genome position (GRCh38, 1-based): chr5:138,183,578, G>A. VCF-style: chr5-138183578-G-A. GRCh37 (hg19) VCF-style: chr5-137519267-G-A.
Other names: c.1136G>A (NM_005733.2); short protein forms R379H.
Identifiers: ClinVar variation 1478402 (VCV001478402.9), dbSNP rs776197302, ClinGen allele CA3426499.
Genomic context (GRCh38, chr5:138,183,578, plus strand): 5'-TAAAAGTGGGTCGTAAGAACCAGAGCTTTGCCAGCACCCACCTCAACCAGAACTCCAGCC[G>A]CAGGTGAGTAGATTGTAAGAATAAACTCTTCACTGTGTTCCAGGAAACATTAGTCCTCTG-3'
Protein context (NP_005724.1, residues 369-389): ASTHLNQNSS[Arg379His]SHSIFSIRIL

ClinVar aggregate classification (germline): Uncertain significance. Review status: criteria provided, multiple submitters, no conflicts (2 of 4 stars). 2 submissions from 2 submitters: Uncertain significance (2). Last evaluated 2025-03-24.

Allele frequency attached by ClinVar (database versions not stated): ExAC 0.00001; gnomAD 0.00001; gnomAD exomes 0.00001; TOPMed 0.00002.
gnomAD v4.1: 14 of 1,613,466 alleles (0.00087%); highest among the groups gnomAD compares: African/African-American, 0.0013%; no homozygotes.

Submissions (2):

Labcorp Genetics (formerly Invitae), Labcorp
Classification: Uncertain significance. Last evaluated: 2025-03-24. Review status: criteria provided, single submitter. Criteria: Invitae Variant Classification Sherloc (09022015). Collection method: clinical testing. Allele origin: germline.
Comment: This sequence change replaces arginine, which is basic and polar, with histidine, which is basic and polar, at codon 379 of the KIF20A protein (p.Arg379His). This variant is present in population databases (rs776197302, gnomAD 0.004%). This variant has not been reported in the literature in individuals affected with KIF20A-related conditions. ClinVar contains an entry for this variant (Variation ID: 1478402). An algorithm developed to predict the effect of missense changes on protein structure and function (PolyPhen-2) suggests that this variant is likely to be disruptive. In summary, the available evidence is currently insufficient to determine the role of this variant in disease. Therefore, it has been classified as a Variant of Uncertain Significance.

Ambry Genetics
Classification: Uncertain significance. Last evaluated: 2024-09-02. Review status: criteria provided, single submitter. Criteria: Ambry Variant Classification Scheme 2023. Collection method: clinical testing. Allele origin: germline.